The following is an entry in ClinVar:

NM_022455.5(NSD1):c.6265C>A (p.Pro2089Thr)

Gene: NSD1 (nuclear receptor binding SET domain protein 1; plus strand). Cytogenetic location: 5q35.3.
Variant type: single nucleotide variant.
Coding change: c.6265C>A on transcript NM_022455.5 (MANE Select); coding-DNA position 6265, C replaced by A.
Protein change: p.Pro2089Thr; replaces proline 2089 with threonine.
Molecular consequence: missense variant.
Genome position (GRCh38, 1-based): chr5:177,291,960, C>A. VCF-style: chr5-177291960-C-A. GRCh37 (hg19) VCF-style: chr5-176718961-C-A.
Other names: c.5392C>A, p.Pro1798Thr (NM_001409308.1, NM_172349.5, NM_001365684.2); c.5143C>A, p.Pro1715Thr (NM_001409309.1); c.6265C>A, p.Pro2089Thr (NM_001409301.1, NM_001409302.1, NM_001409303.1); c.5845C>A, p.Pro1949Thr (NM_001409304.1); c.5512C>A, p.Pro1838Thr (NM_001409305.1); c.5503C>A, p.Pro1835Thr (NM_001409306.1, NM_001409307.1); short protein forms P2089T, P1798T, P1835T, P1838T, P1949T, P1715T.
Identifiers: ClinVar variation 3649733 (VCV003649733.2).

ClinVar aggregate classification (germline): Uncertain significance (1 of 4 stars; one submission).

Submission:

Labcorp Genetics (formerly Invitae), Labcorp
Classification: Uncertain significance. Last evaluated: 2024-07-16. Review status: criteria provided, single submitter. Criteria: Invitae Variant Classification Sherloc (09022015). Collection method: clinical testing. Allele origin: germline.
Comment: This sequence change replaces proline, which is neutral and non-polar, with threonine, which is neutral and polar, at codon 2089 of the NSD1 protein (p.Pro2089Thr). This variant is not present in population databases (gnomAD no frequency). This variant has not been reported in the literature in individuals affected with NSD1-related conditions. Advanced modeling of protein sequence and biophysical properties (such as structural, functional, and spatial information, amino acid conservation, physicochemical variation, residue mobility, and thermodynamic stability) performed at Invitae indicates that this missense variant is expected to disrupt NSD1 protein function with a positive predictive value of 95%. In summary, the available evidence is currently insufficient to determine the role of this variant in disease. Therefore, it has been classified as a Variant of Uncertain Significance.